The following is an entry in ClinVar:

NM_000023.4(SGCA):c.662G>A (p.Arg221His)

Gene: SGCA (sarcoglycan alpha; plus strand). Cytogenetic location: 17q21.33.
Variant type: single nucleotide variant.
Coding change: c.662G>A on transcript NM_000023.4 (MANE Select); coding-DNA position 662, G replaced by A.
Protein change: p.Arg221His; replaces arginine 221 with histidine.
Molecular consequence: missense variant. On other transcripts: non-coding transcript variant (1), intron variant (1).
Genome position (GRCh38, 1-based): chr17:50,169,169, G>A. VCF-style: chr17-50169169-G-A. GRCh37 (hg19) VCF-style: chr17-48246530-G-A.
Other names: c.662G>A (NM_000023.3); c.584+597G>A (NM_001135697.3); short protein forms R221H.
Identifiers: ClinVar variation 254721 (VCV000254721.31), dbSNP rs138254713, ClinGen allele CA8643860.

ClinVar aggregate classification (germline): Conflicting classifications of pathogenicity. Review status: criteria provided, conflicting classifications (1 of 4 stars). 11 submissions from 11 submitters: Uncertain significance (3); Benign (1); Likely benign (5). 2 of the submissions do not count toward it. Last evaluated 2026-01-27.

Conditions:
Sarcoglycanopathy. Identifiers: Orphanet 207052, MedGen C2936331, MONDO:0016140.
Autosomal recessive limb-girdle muscular dystrophy type 2D (LGMDR3). Also called: MUSCULAR DYSTROPHY, LIMB-GIRDLE, AUTOSOMAL RECESSIVE 3; DUCHENNE-LIKE AUTOSOMAL RECESSIVE MUSCULAR DYSTROPHY, TYPE 2; ADHALINOPATHY, PRIMARY. Identifiers: Orphanet 62, MedGen C2936332, MONDO:0011968, OMIM 608099. Disease mechanism: Affects gamma-sarcoglycan and also disrupts the integrity of the entire sarcoglycan complex..

Allele frequency attached by ClinVar (database versions not stated): gnomAD 0.00027 and 0.00042; ESP Exome Variant Server 0.00031; TOPMed 0.00052; gnomAD exomes 0.00058; ExAC 0.00059; 1000 Genomes Project 0.00180; 1000 Genomes Project 30x 0.00187.
gnomAD v4.1: 527 of 1,613,916 alleles (0.033%); highest among the groups gnomAD compares: East Asian, 0.81%; 5 homozygotes.

Submissions (11):

Labcorp Genetics (formerly Invitae), Labcorp
Classification: Benign for Autosomal recessive limb-girdle muscular dystrophy type 2D. Last evaluated: 2026-01-27. Review status: criteria provided, single submitter. Criteria: Invitae Variant Classification Sherloc (09022015). Collection method: clinical testing. Allele origin: germline.

Blueprint Genetics
Classification: Uncertain significance. Last evaluated: 2024-11-25. Review status: criteria provided, single submitter. Criteria: ACMG Guidelines, 2015. Collection method: clinical testing. Allele origin: germline.

Women's Health and Genetics/Laboratory Corporation of America, LabCorp
Classification: Likely benign. Last evaluated: 2022-08-19. Review status: criteria provided, single submitter. Criteria: LabCorp Variant Classification Summary - May 2015. Collection method: clinical testing. Allele origin: germline.
Comment: Variant summary: SGCA c.662G>A (p.Arg221His) results in a non-conservative amino acid change in the encoded protein sequence. Five of five in-silico tools predict a damaging effect of the variant on protein function. The variant allele was found at a frequency of 0.00058 in 251320 control chromosomes, predominantly at a frequency of 0.0071 within the East Asian subpopulation in the gnomAD database, including 2 homozygotes. The observed variant frequency within East Asian control individuals in the gnomAD database is approximately 3-fold of the estimated maximal expected allele frequency for a pathogenic variant in SGCA causing Limb-Girdle Muscular Dystrophy (LGMD), Autosomal Recessive phenotype (0.002), strongly suggesting that the variant is a benign polymorphism found primarily in populations of East Asian origin. c.662G>A has been reported in the literature in individuals affected with Limb-Girdle Muscular Dystrophy with little evidence for causality and/or in individuals with a very mild phenotype (e.g. Boito_2003, Tian_2015, Yu_2017, Xie_2019). These report(s) do not provide unequivocal conclusions about association of the variant with Limb-Girdle Muscular Dystrophy. At-least one co-occurrence with another homozygous pathogenic variant have been reported in an individual with LGMD (DYSF exon 5 deletion), providing supporting evidence for a benign role (example, Tian_2015). To our knowledge, no experimental evidence demonstrating an impact on protein function has been reported. Eight submitters have provided clinical-significance assessments for this variant to ClinVar after 2014 with conflicting assessments(VUS n=4, likely benign n=3, benign n=1). Based on the evidence outlined above, the variant was classified as likely benign.

Genome-Nilou Lab
Classification: Uncertain significance for Autosomal recessive limb-girdle muscular dystrophy type 2D. Last evaluated: 2021-05-18. Review status: criteria provided, single submitter. Criteria: ACMG Guidelines, 2015. Collection method: clinical testing. Allele origin: germline. Affected: no.

Mayo Clinic Laboratories, Mayo Clinic
Classification: Uncertain significance. Last evaluated: 2020-04-13. Review status: criteria provided, single submitter. Criteria: ACMG Guidelines, 2015. Collection method: clinical testing. Allele origin: germline. Observed: 1 variant allele.

GeneDx
Classification: Likely benign. Last evaluated: 2019-01-11. Review status: criteria provided, single submitter. Criteria: GeneDx Variant Classification Process June 2021. Collection method: clinical testing. Allele origin: germline. Affected: yes.
Comment: This variant is associated with the following publications: (PMID: 12746421, 24742800, 19117361)

Eurofins Ntd Llc (ga)
Classification: Likely benign. Last evaluated: 2017-05-23. Review status: criteria provided, single submitter. Criteria: EGL Classification Definitions 2015. Collection method: clinical testing. Allele origin: germline. Observed: 4 variant alleles, 4 heterozygotes.

Illumina Laboratory Services, Illumina
Classification: Likely benign for Sarcoglycanopathy. Last evaluated: 2017-04-27. Review status: criteria provided, single submitter. Criteria: ICSL Variant Classification Criteria 13 December 2019. Collection method: clinical testing. Allele origin: germline.
Comment: This variant was observed as part of a predisposition screen in an ostensibly healthy population. A literature search was performed for the gene, cDNA change, and amino acid change (where applicable). Publications were found based on this search. The evidence from the literature, in combination with allele frequency data from public databases where available, was sufficient to determine this variant is unlikely to cause disease. Therefore, this variant is classified as likely benign.

PreventionGenetics, part of Exact Sciences
Classification: Likely benign. Review status: criteria provided, single submitter. Criteria: ACMG Guidelines, 2015. Collection method: clinical testing. Allele origin: germline.

Natera, Inc.
Classification: Uncertain significance for Limb-girdle muscular dystrophy type 2D. Last evaluated: 2020-04-03. Review status: no assertion criteria provided. Collection method: clinical testing. Allele origin: germline. Not counted in ClinVar's aggregate classification.

Counsyl
Classification: Uncertain significance for Autosomal recessive limb-girdle muscular dystrophy type 2D. Last evaluated: 2017-02-08. Review status: no assertion criteria provided. Collection method: clinical testing. Allele origin: unknown. Not counted in ClinVar's aggregate classification.

Literature cited by the submitters: PubMed 27066551 (cited by Women's Health and Genetics/Laboratory Corporation of America, LabCorp and Counsyl); PubMed 12746421 (cited by 3 submitters); PubMed 28403181 (cited by Women's Health and Genetics/Laboratory Corporation of America, LabCorp); PubMed 30764848 (cited by Women's Health and Genetics/Laboratory Corporation of America, LabCorp); PubMed 19781108 (cited by Illumina Laboratory Services, Illumina).